The following is an entry in ClinVar:

ClinVar aggregate classification (germline): Uncertain significance (1 of 4 stars; one submission).

Conditions:
Adenylosuccinate lyase deficiency (ADSLD). Also called: ADSL DEFICIENCY. Identifiers: Orphanet 46, MedGen C0268126, MONDO:0007068, OMIM 103050.

Submission:

Labcorp Genetics (formerly Invitae), Labcorp
Classification: Uncertain significance for Adenylosuccinate lyase deficiency. Last evaluated: 2024-12-09. Review status: criteria provided, single submitter. Criteria: Invitae Variant Classification Sherloc (09022015). Collection method: clinical testing. Allele origin: germline.
Comment: This sequence change replaces valine, which is neutral and non-polar, with leucine, which is neutral and non-polar, at codon 92 of the ADSL protein (p.Val92Leu). This variant is not present in population databases (gnomAD no frequency). This variant has not been reported in the literature in individuals affected with ADSL-related conditions. ClinVar contains an entry for this variant (Variation ID: 1472453). Invitae Evidence Modeling of protein sequence and biophysical properties (such as structural, functional, and spatial information, amino acid conservation, physicochemical variation, residue mobility, and thermodynamic stability) indicates that this missense variant is not expected to disrupt ADSL protein function with a negative predictive value of 80%. In summary, the available evidence is currently insufficient to determine the role of this variant in disease. Therefore, it has been classified as a Variant of Uncertain Significance.

NM_000026.4(ADSL):c.274G>T (p.Val92Leu)

Gene: ADSL (adenylosuccinate lyase; plus strand). Cytogenetic location: 22q13.1.
Variant type: single nucleotide variant.
Coding change: c.274G>T on transcript NM_000026.4 (MANE Select); coding-DNA position 274, G replaced by T.
Protein change: p.Val92Leu; replaces valine 92 with leucine.
Molecular consequence: missense variant. On other transcripts: non-coding transcript variant (1).
Genome position (GRCh38, 1-based): chr22:40,349,952, G>T. VCF-style: chr22-40349952-G-T. GRCh37 (hg19) VCF-style: chr22-40745956-G-T.
Other names: c.274G>T, p.Val92Leu (NM_001123378.3, NM_001363840.3); c.82G>T, p.Val28Leu (NM_001317923.2); short protein forms V28L, V92L.
Identifiers: ClinVar variation 1472453 (VCV001472453.6), dbSNP rs763852823, ClinGen allele CA411634923.